The following is an entry in ClinVar:

NM_002519.3(NPAT):c.3364C>T (p.Pro1122Ser)

Gene: NPAT (nuclear protein, coactivator of histone transcription; minus strand). Cytogenetic location: 11q22.3.
Variant type: single nucleotide variant.
Coding change: c.3364C>T on transcript NM_002519.3 (MANE Select); coding-DNA position 3364, C replaced by T.
Protein change: p.Pro1122Ser; replaces proline 1122 with serine.
Molecular consequence: missense variant.
Genome position (GRCh38, 1-based): chr11:108,161,722, G>A on the plus strand (C>T on the coding strand, the complement: NPAT is on the minus strand). VCF-style: chr11-108161722-G-A. GRCh37 (hg19) VCF-style: chr11-108032449-G-A.
Other names: c.3385C>T, p.Pro1129Ser (NM_001321307.1); short protein forms P1122S, P1129S.
Identifiers: ClinVar variation 1730645 (VCV001730645.2), dbSNP rs1265513406, ClinGen allele CA382510968.

ClinVar aggregate classification (germline): Uncertain significance (1 of 4 stars; one submission).

Submission:

Ambry Genetics
Classification: Uncertain significance. Last evaluated: 2021-09-03. Review status: criteria provided, single submitter. Criteria: Ambry Variant Classification Scheme 2023. Collection method: clinical testing. Allele origin: germline.
Comment: The p.P1122S variant (also known as c.3364C>T), located in coding exon 17 of the NPAT gene, results from a C to T substitution at nucleotide position 3364. The proline at codon 1122 is replaced by serine, an amino acid with similar properties. This amino acid position is conserved. In addition, this alteration is predicted to be tolerated by in silico analysis. Since supporting evidence is limited at this time, the clinical significance of this alteration remains unclear.